The following is an entry in ClinVar:

ClinVar aggregate classification (germline): Likely benign. Review status: criteria provided, multiple submitters, no conflicts (2 of 4 stars). 2 submissions from 2 submitters: Likely benign (2). Last evaluated 2018-06-16.

Allele frequency attached by ClinVar (database versions not stated): TOPMed 0.00349; gnomAD 0.00492 and 0.00534; 1000 Genomes Project 30x 0.00593; 1000 Genomes Project 0.00639.
gnomAD v4.1: 814 of 152,240 alleles (0.53%); highest among the groups gnomAD compares: South Asian, 1.9%; 5 homozygotes.

Submissions (2):

GeneDx
Classification: Likely benign. Last evaluated: 2018-06-16. Review status: criteria provided, single submitter. Criteria: GeneDx Variant Classification (06012015). Collection method: clinical testing. Allele origin: germline. Affected: yes.
Comment: This variant is considered likely benign or benign based on one or more of the following criteria: it is a conservative change, it occurs at a poorly conserved position in the protein, it is predicted to be benign by multiple in silico algorithms, and/or has population frequency not consistent with disease.

Breakthrough Genomics
Classification: Likely benign. Review status: criteria provided, single submitter. Criteria: ACMG Guidelines, 2015. Collection method: not provided. Allele origin: germline. Inheritance: Autosomal recessive inheritance. Affected: yes.

NM_018979.4(WNK1):c.5509+166G>A

Gene: WNK1 (WNK lysine deficient protein kinase 1; plus strand). Cytogenetic location: 12p13.33.
Variant type: single nucleotide variant.
Coding change: c.5509+166G>A on transcript NM_018979.4 (MANE Select); 166 bases into the intron after coding-DNA position 5509, G replaced by A.
Molecular consequence: intron variant.
Genome position (GRCh38, 1-based): chr12:890,679, G>A. VCF-style: chr12-890679-G-A. GRCh37 (hg19) VCF-style: chr12-999845-G-A.
Other names: c.6265+166G>A (NM_213655.5); c.6289+166G>A (NM_001184985.2); c.4765+169G>A (NM_014823.3).
Identifiers: ClinVar variation 677536 (VCV000677536.2), dbSNP rs72650754, ClinGen allele CA231483165.